The following is an entry in ClinVar:

NM_000203.5(IDUA):c.621G>T (p.Glu207Asp)

Gene: IDUA (alpha-L-iduronidase; plus strand). Cytogenetic location: 4p16.3.
Variant type: single nucleotide variant.
Coding change: c.621G>T on transcript NM_000203.5 (MANE Select); coding-DNA position 621, G replaced by T.
Protein change: p.Glu207Asp; replaces glutamic acid 207 with aspartic acid.
Molecular consequence: missense variant. On other transcripts: non-coding transcript variant (1).
Genome position (GRCh38, 1-based): chr4:1,001,710, G>T. VCF-style: chr4-1001710-G-T. GRCh37 (hg19) VCF-style: chr4-995498-G-T.
Other names: c.225G>T, p.Glu75Asp (NM_001363576.1); short protein forms E207D, E75D.
Identifiers: ClinVar variation 2832157 (VCV002832157.3), dbSNP rs753678881, ClinGen allele CA355961944.

ClinVar aggregate classification (germline): Uncertain significance (1 of 4 stars; one submission).

Conditions:
Mucopolysaccharidosis type 1. Also called: Mucopolysaccharidosis Type I; IDUA deficiency; MPS I. Identifiers: Orphanet 579, MedGen C0023786, MONDO:0001586.

Submission:

Labcorp Genetics (formerly Invitae), Labcorp
Classification: Uncertain significance for Mucopolysaccharidosis type 1. Last evaluated: 2023-05-01. Review status: criteria provided, single submitter. Criteria: Invitae Variant Classification Sherloc (09022015). Collection method: clinical testing. Allele origin: germline.
Comment: In summary, the available evidence is currently insufficient to determine the role of this variant in disease. Therefore, it has been classified as a Variant of Uncertain Significance. Advanced modeling of protein sequence and biophysical properties (such as structural, functional, and spatial information, amino acid conservation, physicochemical variation, residue mobility, and thermodynamic stability) has been performed at Invitae for this missense variant, however the output from this modeling did not meet the statistical confidence thresholds required to predict the impact of this variant on IDUA protein function. This variant has not been reported in the literature in individuals affected with IDUA-related conditions. This variant is not present in population databases (gnomAD no frequency). This sequence change replaces glutamic acid, which is acidic and polar, with aspartic acid, which is acidic and polar, at codon 207 of the IDUA protein (p.Glu207Asp).